The following is an entry in ClinVar:

ClinVar aggregate classification (germline): Likely benign (1 of 4 stars; one submission).

Conditions:
PHF6-related disorder. Also called: PHF6-related condition.

gnomAD v4.1: 10 of 1,206,233 alleles (0.00083%); highest among the groups gnomAD compares: Non-Finnish European, 0.0011%; no homozygotes.

Submission:

PreventionGenetics, part of Exact Sciences
Classification: Likely benign for PHF6-related condition. Last evaluated: 2025-11-12. Review status: criteria provided, single submitter. Criteria: ACMG Guidelines, 2015. Collection method: clinical testing. Allele origin: germline.
Comment: This variant is classified as likely benign based on ACMG/AMP sequence variant interpretation guidelines (Richards et al. 2015 PMID: 25741868, with internal and published modifications).

NM_001015877.2(PHF6):c.126C>T (p.His42=)

Gene: PHF6 (PHD finger protein 6; plus strand). Cytogenetic location: Xq26.2.
Variant type: single nucleotide variant.
Coding change: c.126C>T on transcript NM_001015877.2 (MANE Select); coding-DNA position 126, C replaced by T.
Protein change: p.His42=; no amino-acid change (histidine 42 retained).
Molecular consequence: synonymous variant.
Genome position (GRCh38, 1-based): chrX:134,377,743, C>T. VCF-style: chrX-134377743-C-T. GRCh37 (hg19) VCF-style: chrX-133511773-C-T.
Other names: c.126C>T, p.His42= (NM_032335.3, NM_032458.3).
Identifiers: ClinVar variation 4987508 (VCV004987508.1).
Genomic context (GRCh38, chrX:134,377,743, plus strand): 5'-AAATAGAGACAAGGAATGTGGACAGTTACTAATATCTGAAAACCAGAAGGTGGCAGCGCA[C>T]CATAAGTGCATGGTAAGTATACCGGCAGCAACAGAGACCTTGAAACGATTCATGAGACTC-3'
Protein context (NP_001015877.1, residues 32-52): LISENQKVAA[His42=]HKCMLFSSAL